The following is an entry in ClinVar:

NM_001154.4(ANXA5):c.681C>T (p.Arg227=)

Gene: ANXA5 (annexin A5; minus strand). Cytogenetic location: 4q27.
Variant type: single nucleotide variant.
Coding change: c.681C>T on transcript NM_001154.4 (MANE Select); coding-DNA position 681, C replaced by T.
Protein change: p.Arg227=; no amino-acid change (arginine 227 retained).
Molecular consequence: synonymous variant.
Genome position (GRCh38, 1-based): chr4:121,671,587, G>A on the plus strand (C>T on the coding strand, the complement: ANXA5 is on the minus strand). VCF-style: chr4-121671587-G-A. GRCh37 (hg19) VCF-style: chr4-122592742-G-A.
Identifiers: ClinVar variation 5038515 (VCV005038515.1).

ClinVar aggregate classification (germline): Likely benign (1 of 4 stars; one submission).

gnomAD v4.1: 4,980 of 1,613,406 alleles (0.31%); highest among the groups gnomAD compares: Middle Eastern, 1.6%; 24 homozygotes.

Submission:

CeGaT Center for Human Genetics Tuebingen
Classification: Likely benign. Last evaluated: 2026-07-01. Review status: criteria provided, single submitter. Criteria: CeGaT Center For Human Genetics Tuebingen Variant Classification Criteria Version 2. Collection method: clinical testing. Allele origin: germline. Affected: yes. Observed: 1 variant allele.
Comment: ANXA5: BP4, BP7, BS2